The following is an entry in ClinVar:

ClinVar aggregate classification (germline): Uncertain significance (1 of 4 stars; one submission).

Conditions:
Dyskeratosis congenita, autosomal recessive 1. Identifiers: Orphanet 1775, MedGen C1857144, MONDO:0009136, OMIM 224230.

Submission:

Labcorp Genetics (formerly Invitae), Labcorp
Classification: Uncertain significance for Dyskeratosis congenita, autosomal recessive 1. Last evaluated: 2023-03-21. Review status: criteria provided, single submitter. Criteria: Invitae Variant Classification Sherloc (09022015). Collection method: clinical testing. Allele origin: germline.
Comment: This sequence change creates a premature translational stop signal (p.Gln4*) in the NOP10 gene. While this is not anticipated to result in nonsense mediated decay, it is expected to disrupt the last 61 amino acid(s) of the NOP10 protein. This variant is not present in population databases (gnomAD no frequency). This variant has not been reported in the literature in individuals affected with NOP10-related conditions. Experimental studies and prediction algorithms are not available or were not evaluated, and the functional significance of this variant is currently unknown. In summary, the available evidence is currently insufficient to determine the role of this variant in disease. Therefore, it has been classified as a Variant of Uncertain Significance.

NM_018648.4(NOP10):c.10C>T (p.Gln4Ter)

Gene: NOP10 (NOP10 ribonucleoprotein; minus strand). Cytogenetic location: 15q14.
Variant type: single nucleotide variant.
Coding change: c.10C>T on transcript NM_018648.4 (MANE Select); coding-DNA position 10, C replaced by T.
Protein change: p.Gln4Ter; replaces glutamine 4 with a stop codon.
Molecular consequence: nonsense.
Genome position (GRCh38, 1-based): chr15:34,343,064, G>A on the plus strand (C>T on the coding strand, the complement: NOP10 is on the minus strand). VCF-style: chr15-34343064-G-A. GRCh37 (hg19) VCF-style: chr15-34635265-G-A.
Other names: short protein forms Q4*.
Identifiers: ClinVar variation 2718563 (VCV002718563.3), dbSNP rs2510095946, ClinGen allele CA391622450.